The following is an entry in ClinVar:

NM_001261826.3(AP3D1):c.2073+10G>T

Gene: AP3D1 (adaptor related protein complex 3 subunit delta 1; minus strand). Cytogenetic location: 19p13.3.
Variant type: single nucleotide variant.
Coding change: c.2073+10G>T on transcript NM_001261826.3 (MANE Select); 10 bases into the intron after coding-DNA position 2073, G replaced by T.
Molecular consequence: intron variant.
Genome position (GRCh38, 1-based): chr19:2,116,197, C>A on the plus strand (G>T on the coding strand, the complement: AP3D1 is on the minus strand). VCF-style: chr19-2116197-C-A. GRCh37 (hg19) VCF-style: chr19-2116196-C-A.
Other names: c.2073+10G>T (NM_003938.8, NM_001374799.1).
Identifiers: ClinVar variation 723904 (VCV000723904.10), dbSNP rs201444417, ClinGen allele CA9059051.

ClinVar aggregate classification (germline): Likely benign. Review status: criteria provided, multiple submitters, no conflicts (2 of 4 stars). 3 submissions from 3 submitters: Likely benign (2). 1 of the submissions does not count toward it. Last evaluated 2024-10-10.

Conditions:
AP3D1-related disorder. Also called: AP3D1-related condition.

Allele frequency attached by ClinVar (database versions not stated): gnomAD 0.00003; TOPMed 0.00008; ESP Exome Variant Server 0.00016.
gnomAD v4.1: 111 of 1,613,826 alleles (0.0069%); highest among the groups gnomAD compares: Non-Finnish European, 0.0089%; no homozygotes.

Submissions (3):

Labcorp Genetics (formerly Invitae), Labcorp
Classification: Likely benign. Last evaluated: 2024-10-10. Review status: criteria provided, single submitter. Criteria: Invitae Variant Classification Sherloc (09022015). Collection method: clinical testing. Allele origin: germline.

Blueprint Genetics
Classification: Likely benign. Last evaluated: 2024-05-07. Review status: criteria provided, single submitter. Criteria: ACMG Guidelines, 2015. Collection method: clinical testing. Allele origin: germline.

PreventionGenetics, part of Exact Sciences
Classification: Likely benign for AP3D1-related condition. Last evaluated: 2019-07-16. Review status: no assertion criteria provided. Collection method: clinical testing. Allele origin: germline. Not counted in ClinVar's aggregate classification.
Comment: This variant is classified as likely benign based on ACMG/AMP sequence variant interpretation guidelines (Richards et al. 2015 PMID: 25741868, with internal and published modifications).